The following is an entry in ClinVar:

ClinVar aggregate classification (germline): Uncertain significance (1 of 4 stars; one submission).

gnomAD v4.1: 1 of 1,614,034 alleles (0.000062%); highest among the groups gnomAD compares: East Asian, 0.0022%; no homozygotes.

Submission:

Labcorp Genetics (formerly Invitae), Labcorp
Classification: Uncertain significance. Last evaluated: 2025-06-18. Review status: criteria provided, single submitter. Criteria: Invitae Variant Classification Sherloc (09022015). Collection method: clinical testing. Allele origin: germline.
Comment: This sequence change replaces aspartic acid, which is acidic and polar, with asparagine, which is neutral and polar, at codon 729 of the BPTF protein (p.Asp729Asn). This variant is not present in population databases (gnomAD no frequency). This variant has not been reported in the literature in individuals affected with BPTF-related conditions. An algorithm developed to predict the effect of missense changes on protein structure and function (PolyPhen-2) suggests that this variant is likely to be disruptive. In summary, the available evidence is currently insufficient to determine the role of this variant in disease. Therefore, it has been classified as a Variant of Uncertain Significance.

NM_182641.4(BPTF):c.1865-5585G>A

Gene: BPTF (bromodomain PHD finger transcription factor; plus strand). Cytogenetic location: 17q24.2.
Variant type: single nucleotide variant.
Coding change: c.1865-5585G>A on transcript NM_182641.4 (MANE Select); 5585 bases into the intron before coding-DNA position 1865, G replaced by A.
Molecular consequence: intron variant. On other transcripts: missense variant (4).
Genome position (GRCh38, 1-based): chr17:67,886,259, G>A. VCF-style: chr17-67886259-G-A. GRCh37 (hg19) VCF-style: chr17-65882375-G-A.
Other names: c.2185G>A, p.Asp729Asn (NM_001439140.1, NM_001439142.1, NM_004459.7); c.1996G>A, p.Asp666Asn (NM_001439143.1); c.2054-5585G>A (NM_001439141.1, NM_001439139.1, NM_001439144.1); short protein forms D666N, D729N.
Identifiers: ClinVar variation 4721563 (VCV004721563.1).